The following is an entry in ClinVar:

ClinVar aggregate classification (germline): Likely benign (1 of 4 stars; one submission).

Allele frequency attached by ClinVar (database versions not stated): ExAC 0.00003; TOPMed 0.00004; gnomAD 0.00006.
gnomAD v4.1: 25 of 1,167,029 alleles (0.0021%); highest among the groups gnomAD compares: Non-Finnish European, 0.0029%; no homozygotes.

Submission:

CeGaT Center for Human Genetics Tuebingen
Classification: Likely benign. Last evaluated: 2023-02-01. Review status: criteria provided, single submitter. Criteria: CeGaT Center For Human Genetics Tuebingen Variant Classification Criteria Version 2. Collection method: clinical testing. Allele origin: germline. Affected: yes. Observed: 1 variant allele.
Comment: VSIG4: BP4, BS2

NM_007268.3(VSIG4):c.758-7T>C

Gene: VSIG4 (V-set and immunoglobulin domain containing 4; minus strand). Cytogenetic location: Xq12.
Variant type: single nucleotide variant.
Coding change: c.758-7T>C on transcript NM_007268.3 (MANE Select); 7 bases into the intron before coding-DNA position 758, T replaced by C.
Molecular consequence: intron variant.
Genome position (GRCh38, 1-based): chrX:66,027,533, A>G on the plus strand (T>C on the coding strand, the complement: VSIG4 is on the minus strand). VCF-style: chrX-66027533-A-G. GRCh37 (hg19) VCF-style: chrX-65247375-A-G.
Other names: c.476-7T>C (NM_001100431.2, NM_001184831.2); c.758-7T>C (NM_001257403.2, NM_001184830.2).
Identifiers: ClinVar variation 2660763 (VCV002660763.24), dbSNP rs753126202, ClinGen allele CA10434923.